The following is an entry in ClinVar:

NM_001378964.1(CDON):c.*1332T>G

Gene: CDON (cell adhesion associated, oncogene regulated; minus strand). Cytogenetic location: 11q24.2.
Variant type: single nucleotide variant.
Coding change: c.*1332T>G on transcript NM_001378964.1 (MANE Select); 1332 bases downstream of the stop codon, T replaced by G.
Molecular consequence: 3 prime UTR variant.
Genome position (GRCh38, 1-based): chr11:125,959,610, A>C on the plus strand (T>G on the coding strand, the complement: CDON is on the minus strand). VCF-style: chr11-125959610-A-C. GRCh37 (hg19) VCF-style: chr11-125829505-A-C.
Other names: NC_000011.9:g.125829505A>C; c.*1332T>G (NM_001243597.3, NM_016952.6).
Identifiers: ClinVar variation 303463 (VCV000303463.7), dbSNP rs77555036, ClinGen allele CA10634056.

ClinVar aggregate classification (germline): Benign. Review status: criteria provided, multiple submitters, no conflicts (2 of 4 stars). 2 submissions from 2 submitters: Benign (2). Last evaluated 2018-01-12.

Conditions:
Holoprosencephaly 11 (HPE11). Identifiers: Orphanet 2162, MedGen C3280215, MONDO:0013642, OMIM 614226.

Allele frequency attached by ClinVar (database versions not stated): 1000 Genomes Project 0.04113; gnomAD exomes 0.05556; TOPMed 0.06367; gnomAD 0.06389 and 0.06445.
gnomAD v4.1: 9,798 of 152,230 alleles (6.4%); highest among the groups gnomAD compares: Non-Finnish European, 9.8%; 406 homozygotes.

Submissions (3):

Illumina Laboratory Services, Illumina
Classification: Benign for Holoprosencephaly 11. Last evaluated: 2018-01-12. Review status: criteria provided, single submitter. Criteria: ICSL Variant Classification Criteria 13 December 2019. Collection method: clinical testing. Allele origin: germline.
Comment: This variant was observed in the ICSL laboratory as part of a predisposition screen in an ostensibly healthy population. It had not been previously curated by ICSL or reported in the Human Gene Mutation Database (HGMD: prior to June 1st, 2018), and was therefore a candidate for classification through an automated scoring system. Utilizing variant allele frequency, disease prevalence and penetrance estimates, and inheritance mode, an automated score was calculated to assess if this variant is too frequent to cause the disease. Based on the score and internal cut-off values, a variant classified as benign is not then subjected to further curation. The score for this variant resulted in a classification of benign for this disease.

Breakthrough Genomics
Classification: Benign. Review status: criteria provided, single submitter. Criteria: ACMG Guidelines, 2015. Collection method: not provided. Allele origin: germline. Inheritance: Autosomal dominant inheritance. Affected: yes.

Dr. Peter K. Rogan Lab, Western University
No classification provided (evidence only). Condition: Sarcoma. Review status: no classification provided. Collection method: in vitro. Allele origin: not applicable. Functional consequence: retained intron. Not counted in ClinVar's aggregate classification.